The following is an entry in ClinVar:

NM_021619.3(PRDM12):c.1041CGC[14] (p.Ala358_Ala359dup)

Gene: PRDM12 (PR/SET domain 12; plus strand). Cytogenetic location: 9q34.12.
Variant type: Microsatellite.
Coding change: c.1041CGC[14] on transcript NM_021619.3 (MANE Select); 14 copies in a row of the 3-base unit CGC starting at c.1041; the reference has 12 copies in a row; two copies, 6 bases duplicated; also written c.1071_1076dup.
Protein change: p.Ala358_Ala359dup.
Molecular consequence: inframe insertion.
Genome position (GRCh38, 1-based): chr9:130,681,636-130,681,641, CGCCGC duplicated; duplicating any 6 consecutive bases within chr9:130,681,606-130,681,641 gives the same sequence; the position shown is the placement nearest the transcript's 3' end. VCF-style (leftmost placement, unchanged base first): chr9-130681605-T-TCGCCGC. GRCh37 (hg19) VCF-style: chr9-133556992-T-TCGCCGC.
Other names: p.Ala358_Ala359dup; c.1040_1041insCGCCGC (NM_021619.2); c.1071_1076dup (NM_021619.3).
Identifiers: ClinVar variation 475812 (VCV000475812.16), dbSNP rs752427775, ClinGen allele CA467495894.

ClinVar aggregate classification (germline): Benign/Likely benign. Review status: criteria provided, multiple submitters, no conflicts (2 of 4 stars). 4 submissions from 4 submitters: Benign (3); Likely benign (1). Last evaluated 2026-02-03.

Conditions:
Congenital insensitivity to pain-hypohidrosis syndrome. Also called: HSAN VIII; Neuropathy, hereditary sensory and autonomic, type VIII. Identifiers: Orphanet 478664, MedGen C4225308, MONDO:0014662, OMIM 616488.

Submissions (4):

Labcorp Genetics (formerly Invitae), Labcorp
Classification: Benign for Congenital insensitivity to pain-hypohidrosis syndrome. Last evaluated: 2026-02-03. Review status: criteria provided, single submitter. Criteria: Invitae Variant Classification Sherloc (09022015). Collection method: clinical testing. Allele origin: germline.

Laboratory of Genetics, Children's Clinical University Hospital Latvia
Classification: Likely benign. Last evaluated: 2025-02-16. Review status: criteria provided, single submitter. Criteria: ACMG Guidelines, 2015. Collection method: clinical testing. Allele origin: germline. Affected: yes.

Mayo Clinic Laboratories, Mayo Clinic
Classification: Benign. Last evaluated: 2023-03-03. Review status: criteria provided, single submitter. Criteria: ACMG Guidelines, 2015. Collection method: clinical testing. Allele origin: germline. Observed: 15 variant alleles.
Comment: BA1

GeneDx
Classification: Benign. Last evaluated: 2019-10-06. Review status: criteria provided, single submitter. Criteria: GeneDx Variant Classification Process June 2021. Collection method: clinical testing. Allele origin: germline. Affected: yes.